The following is an entry in ClinVar:

ClinVar aggregate classification (germline): Pathogenic (1 of 4 stars; one submission).

Conditions:
Menke-Hennekam syndrome 1 (MKHK1). Identifiers: MedGen C5193034, MONDO:0020763, OMIM 618332.
Rubinstein-Taybi syndrome due to CREBBP mutations (RSTS1). Also called: BROAD THUMB-HALLUX SYNDROME; RUBINSTEIN SYNDROME; RUBINSTEIN-TAYBI SYNDROME 1, INCOMPLETE; Rubinstein-Taybi syndrome 1; BROAD THUMBS AND GREAT TOES, CHARACTERISTIC FACIES, AND IMPAIRED INTELLECTUAL DEVELOPMENT; CREBBP-Related Rubinstein-Taybi Syndrome. Identifiers: Orphanet 353277, Orphanet 783, MedGen C4551859, MONDO:0008393, OMIM 180849.

Submission:

Juno Genomics, Hangzhou Juno Genomics, Inc
Classification: Pathogenic for Menke-Hennekam syndrome 1; Rubinstein-Taybi syndrome due to CREBBP mutations. Review status: criteria provided, single submitter. Criteria: ACMG Guidelines, 2015. Collection method: clinical testing. Allele origin: germline. Affected: yes.
Comment: Absent from controls (or at extremely low frequency if recessive) in Genome Aggregation Database.;Null variant in a gene where loss of function (LOF) is a known mechanism of disease.;De novo (both maternity and paternity confirmed) in a patient with the disease and no family history.

NM_004380.3(CREBBP):c.393dup (p.Ser132fs)

Gene: CREBBP (CREB binding lysine acetyltransferase; minus strand). Cytogenetic location: 16p13.3.
Variant type: Duplication.
Coding change: c.393dup on transcript NM_004380.3 (MANE Select); coding-DNA position 393, one base duplicated (C; older notation c.393dupC).
Protein change: p.Ser132fs; shifts the reading frame from serine 132.
Molecular consequence: frameshift variant.
Genome position (GRCh38, 1-based): chr16:3,850,702, G duplicated on the plus strand (C on the coding strand, the reverse complement: CREBBP is on the minus strand); the first of 5 consecutive G bases (chr16:3,850,702-3,850,706); duplicating any one gives the same sequence. VCF-style (leftmost placement, unchanged base first): chr16-3850701-T-TG. GRCh37 (hg19) VCF-style: chr16-3900702-T-TG.
Other names: c.393dup, p.Ser132fs (NM_001079846.1); short protein forms S132fs.
Identifiers: ClinVar variation 5018878 (VCV005018878.1).
Genomic context (GRCh38, chr16:3,850,701, plus strand): 5'-TCAGTGCTTGGGAGGCAGCGGGGGTGGGCCCAGAGGTGCTGGCTGCCTGTTTAGGCAGGC[T>TG]GGGGGCTGAAGAATCTCCCTGGCTCAGAGGGCTCTTGCCCATGGCACTGAGGCTGGCCAT-3'